The following is an entry in ClinVar:

NC_000002.12:g.(?_86785900)_(86790845_?)del

Gene: CD8A (CD8 subunit alpha; minus strand). Cytogenetic location: 2p11.2.
Variant type: Deletion.
Identifiers: ClinVar variation 832275 (VCV000832275.1).

ClinVar aggregate classification (germline): Uncertain significance (1 of 4 stars; one submission).

Conditions:
Susceptibility to respiratory infections associated with CD8alpha chain mutation (IMD116). Also called: IMMUNODEFICIENCY 116; Cd8 deficiency, familial. Identifiers: Orphanet 169085, MedGen C1837065, MONDO:0012161, OMIM 608957.

Submission:

Labcorp Genetics (formerly Invitae), Labcorp
Classification: Uncertain significance for Cd8 deficiency, familial. Last evaluated: 2019-04-26. Review status: criteria provided, single submitter. Criteria: Invitae Variant Classification Sherloc (09022015). Collection method: clinical testing. Allele origin: germline.
Comment: A gross deletion of the genomic region encompassing the full coding sequence of the CD8A gene has been identified. The boundaries of this event are unknown as the deletion extends beyond the assayed region for this gene and therefore may encompass additional genes. This variant has not been reported in the literature in individuals with CD8A-related conditions. The current clinical and genetic evidence is not sufficient to establish whether loss-of-function variants in CD8A cause disease. In summary, the available evidence is currently insufficient to determine the role of this variant in disease. Therefore, it has been classified as a Variant of Uncertain Significance.